The following is an entry in ClinVar:

ClinVar aggregate classification (germline): Uncertain significance (1 of 4 stars; one submission).

Conditions:
Joubert syndrome. Also called: CEREBELLOPARENCHYMAL DISORDER IV; JOUBERT-BOLTSHAUSER SYNDROME; Familial aplasia of the vermis. Identifiers: Orphanet 475, MedGen C5979921, MONDO:0018772.
Orofaciodigital syndrome I (OFD1). Also called: OFDS I; Papillon-Leage and Psaume Syndrome; Oral-Facial-Digital Syndrome Type I. Identifiers: Orphanet 2750, MedGen C1510460, MONDO:0010702, OMIM 311200.

Submission:

Labcorp Genetics (formerly Invitae), Labcorp
Classification: Uncertain significance for Orofaciodigital syndrome I; Joubert syndrome. Last evaluated: 2022-10-23. Review status: criteria provided, single submitter. Criteria: Invitae Variant Classification Sherloc (09022015). Collection method: clinical testing. Allele origin: germline.
Comment: In summary, the available evidence is currently insufficient to determine the role of this variant in disease. Therefore, it has been classified as a Variant of Uncertain Significance. Advanced modeling of protein sequence and biophysical properties (such as structural, functional, and spatial information, amino acid conservation, physicochemical variation, residue mobility, and thermodynamic stability) performed at Invitae indicates that this missense variant is not expected to disrupt OFD1 protein function. This variant has not been reported in the literature in individuals affected with OFD1-related conditions. This variant is not present in population databases (gnomAD no frequency). This sequence change replaces phenylalanine, which is neutral and non-polar, with leucine, which is neutral and non-polar, at codon 482 of the OFD1 protein (p.Phe482Leu).

NM_003611.3(OFD1):c.1444T>C (p.Phe482Leu)

Gene: OFD1 (OFD1 centriole and centriolar satellite protein; plus strand). Cytogenetic location: Xp22.2.
Variant type: single nucleotide variant.
Coding change: c.1444T>C on transcript NM_003611.3 (MANE Select); coding-DNA position 1444, T replaced by C.
Protein change: p.Phe482Leu; replaces phenylalanine 482 with leucine.
Molecular consequence: missense variant.
Genome position (GRCh38, 1-based): chrX:13,757,692, T>C. VCF-style: chrX-13757692-T-C. GRCh37 (hg19) VCF-style: chrX-13775811-T-C.
Other names: c.1324T>C, p.Phe442Leu (NM_001330209.2); c.1024T>C, p.Phe342Leu (NM_001330210.2); short protein forms F342L, F482L, F442L.
Identifiers: ClinVar variation 1932569 (VCV001932569.5), dbSNP rs2518918425, ClinGen allele CA412343027.